The following is an entry in ClinVar:

NM_001008388.5(CISD2):c.104-9C>A

Genes: CISD2 (CDGSH iron sulfur domain 2; plus strand), SLC9B1 (solute carrier family 9 member B1; minus strand). Cytogenetic location: 4q24.
Variant type: single nucleotide variant.
Coding change: c.104-9C>A on transcript NM_001008388.5 (MANE Select); 9 bases into the intron before coding-DNA position 104, C replaced by A.
Molecular consequence: intron variant. On other transcripts: 3 prime UTR variant (1), non-coding transcript variant (2).
Genome position (GRCh38, 1-based): chr4:102,885,207, C>A. VCF-style: chr4-102885207-C-A. GRCh37 (hg19) VCF-style: chr4-103806364-C-A.
Other names: c.*26G>T (NM_001100874.3).
Identifiers: ClinVar variation 716908 (VCV000716908.14), dbSNP rs190212874, ClinGen allele CA3027691.

ClinVar aggregate classification (germline): Benign/Likely benign. Review status: criteria provided, multiple submitters, no conflicts (2 of 4 stars). 4 submissions from 4 submitters: Benign (1); Likely benign (2). 1 of the submissions does not count toward it. Last evaluated 2025-12-18.

Conditions:
CISD2-related disorder. Also called: CISD2-related condition.
Wolfram syndrome 2 (WFS2). Identifiers: Orphanet 3463, MedGen C1858028, MONDO:0011502, OMIM 604928.

Allele frequency attached by ClinVar (database versions not stated): TOPMed 0.00067; ESP Exome Variant Server 0.00085; 1000 Genomes Project 30x 0.00125; gnomAD exomes 0.00007; ExAC 0.00021; gnomAD 0.00067; 1000 Genomes Project 0.00100.
gnomAD v4.1: 201 of 1,609,040 alleles (0.012%); highest among the groups gnomAD compares: African/African-American, 0.25%; 1 homozygote.

Submissions (4):

Labcorp Genetics (formerly Invitae), Labcorp
Classification: Benign. Last evaluated: 2025-12-18. Review status: criteria provided, single submitter. Criteria: Invitae Variant Classification Sherloc (09022015). Collection method: clinical testing. Allele origin: germline.

Blueprint Genetics
Classification: Likely benign. Last evaluated: 2023-12-29. Review status: criteria provided, single submitter. Criteria: ACMG Guidelines, 2015. Collection method: clinical testing. Allele origin: germline.

Fulgent Genetics
Classification: Likely benign for Wolfram syndrome 2. Last evaluated: 2022-01-18. Review status: criteria provided, single submitter. Criteria: ACMG Guidelines, 2015. Collection method: clinical testing. Allele origin: unknown.

PreventionGenetics, part of Exact Sciences
Classification: Likely benign for CISD2-related condition. Last evaluated: 2019-06-05. Review status: no assertion criteria provided. Collection method: clinical testing. Allele origin: germline. Not counted in ClinVar's aggregate classification.
Comment: This variant is classified as likely benign based on ACMG/AMP sequence variant interpretation guidelines (Richards et al. 2015 PMID: 25741868, with internal and published modifications).